The following is an entry in ClinVar:

NM_000542.5(SFTPB):c.393+93A>G

Gene: SFTPB (surfactant protein B; minus strand). Cytogenetic location: 2p11.2.
Variant type: single nucleotide variant.
Coding change: c.393+93A>G on transcript NM_000542.5 (MANE Select); 93 bases into the intron after coding-DNA position 393, A replaced by G.
Molecular consequence: intron variant.
Genome position (GRCh38, 1-based): chr2:85,666,524, T>C on the plus strand (A>G on the coding strand, the complement: SFTPB is on the minus strand). VCF-style: chr2-85666524-T-C. GRCh37 (hg19) VCF-style: chr2-85893647-T-C.
Other names: c.393+93A>G (NM_198843.3, NM_001367281.1).
Identifiers: ClinVar variation 1706747 (VCV001706747.2), dbSNP rs3024800, ClinGen allele CA51754203.

ClinVar aggregate classification (germline): Likely benign (1 of 4 stars; one submission).

Allele frequency attached by ClinVar (database versions not stated): gnomAD 0.00830; 1000 Genomes Project 0.01657.
gnomAD v4.1: 2,359 of 1,286,318 alleles (0.18%); highest among the groups gnomAD compares: African/African-American, 2.8%; 46 homozygotes.

Submission:

GeneDx
Classification: Likely benign. Last evaluated: 2021-01-02. Review status: criteria provided, single submitter. Criteria: GeneDx Variant Classification Process June 2021. Collection method: clinical testing. Allele origin: germline. Affected: yes.
Comment: See Variant Classification Assertion Criteria.